The following is an entry in ClinVar:

NM_015072.5(TTLL5):c.780T>G (p.Ile260Met)

Gene: TTLL5 (tubulin tyrosine ligase like 5; plus strand). Cytogenetic location: 14q24.3.
Variant type: single nucleotide variant.
Coding change: c.780T>G on transcript NM_015072.5 (MANE Select); coding-DNA position 780, T replaced by G.
Protein change: p.Ile260Met; replaces isoleucine 260 with methionine.
Molecular consequence: missense variant.
Genome position (GRCh38, 1-based): chr14:75,717,900, T>G. VCF-style: chr14-75717900-T-G. GRCh37 (hg19) VCF-style: chr14-76184243-T-G.
Other names: short protein forms I260M.
Identifiers: ClinVar variation 1403548 (VCV001403548.6), dbSNP rs754612100, ClinGen allele CA7279104.
Genomic context (GRCh38, chr14:75,717,900, plus strand): 5'-AACCTGTTTCCCTTCTATCAGGTTTGCAACTGTGCGATATGATCAAGGAGCCAAGAACAT[T>G]CGGAACCAGTTCATGCATCTGACAAACTACAGTGTCAACAAGAAAAGTGGAGATTACGTC-3'
Protein context (NP_055887.3, residues 250-270): TVRYDQGAKN[Ile260Met]RNQFMHLTNY

ClinVar aggregate classification (germline): Uncertain significance (1 of 4 stars; one submission).

Allele frequency attached by ClinVar (database versions not stated): gnomAD exomes below 0.00001; ExAC 0.00001; gnomAD 0.00001; TOPMed 0.00001.
gnomAD v4.1: 5 of 1,613,750 alleles (0.00031%); highest among the groups gnomAD compares: Admixed American, 0.0033%; no homozygotes.

Submission:

Labcorp Genetics (formerly Invitae), Labcorp
Classification: Uncertain significance. Last evaluated: 2021-08-08. Review status: criteria provided, single submitter. Criteria: Invitae Variant Classification Sherloc (09022015). Collection method: clinical testing. Allele origin: germline.
Comment: This sequence change replaces isoleucine with methionine at codon 260 of the TTLL5 protein (p.Ile260Met). The isoleucine residue is highly conserved and there is a small physicochemical difference between isoleucine and methionine. This variant is present in population databases (rs754612100, ExAC 0.009%). This variant has not been reported in the literature in individuals affected with TTLL5-related conditions. Algorithms developed to predict the effect of missense changes on protein structure and function are either unavailable or do not agree on the potential impact of this missense change (SIFT: "Deleterious"; PolyPhen-2: "Possibly Damaging"; Align-GVGD: "Class C0"). In summary, the available evidence is currently insufficient to determine the role of this variant in disease. Therefore, it has been classified as a Variant of Uncertain Significance.